The following is an entry in ClinVar:

NM_001041.4(SI):c.4982C>G (p.Thr1661Arg)

Gene: SI (sucrase-isomaltase; minus strand). Cytogenetic location: 3q26.1.
Variant type: single nucleotide variant.
Coding change: c.4982C>G on transcript NM_001041.4 (MANE Select); coding-DNA position 4982, C replaced by G.
Protein change: p.Thr1661Arg; replaces threonine 1661 with arginine.
Molecular consequence: missense variant.
Genome position (GRCh38, 1-based): chr3:164,992,178, G>C on the plus strand (C>G on the coding strand, the complement: SI is on the minus strand). VCF-style: chr3-164992178-G-C. GRCh37 (hg19) VCF-style: chr3-164709966-G-C.
Other names: short protein forms T1661R.
Identifiers: ClinVar variation 1409158 (VCV001409158.8), dbSNP rs202004001, ClinGen allele CA355028489.

ClinVar aggregate classification (germline): Uncertain significance (1 of 4 stars; one submission).

Allele frequency attached by ClinVar (database versions not stated): gnomAD exomes below 0.00001; TOPMed below 0.00001.
gnomAD v4.1: 7 of 1,609,442 alleles (0.00043%); highest among the groups gnomAD compares: Non-Finnish European, 0.00059%; no homozygotes.

Submission:

Labcorp Genetics (formerly Invitae), Labcorp
Classification: Uncertain significance. Last evaluated: 2021-07-13. Review status: criteria provided, single submitter. Criteria: Invitae Variant Classification Sherloc (09022015). Collection method: clinical testing. Allele origin: germline.
Comment: This sequence change replaces threonine with arginine at codon 1661 of the SI protein (p.Thr1661Arg). The threonine residue is highly conserved and there is a moderate physicochemical difference between threonine and arginine. This variant is not present in population databases (ExAC no frequency). This variant has not been reported in the literature in individuals with SI-related conditions. Algorithms developed to predict the effect of missense changes on protein structure and function are either unavailable or do not agree on the potential impact of this missense change (SIFT: "Deleterious"; PolyPhen-2: "Probably Damaging"; Align-GVGD: "Class C15"). Algorithms developed to predict the effect of sequence changes on RNA splicing suggest that this variant may create or strengthen a splice site, but this prediction has not been confirmed by published transcriptional studies. In summary, the available evidence is currently insufficient to determine the role of this variant in disease. Therefore, it has been classified as a Variant of Uncertain Significance.